The following is an entry in ClinVar:

ClinVar aggregate classification (germline): Uncertain significance (1 of 4 stars; one submission).

Conditions:
Asphyxiating thoracic dystrophy 5 (SRTD5). Also called: SHORT-RIB THORACIC DYSPLASIA 5 WITH OR WITHOUT POLYDACTYLY; SHORT-RIB THORACIC DYSPLASIA 5 WITHOUT POLYDACTYLY. Identifiers: Orphanet 474, MedGen C3280598, MONDO:0013717, OMIM 614376.
Senior-Loken syndrome 8 (SLSN8). Identifiers: Orphanet 3156, MedGen C4225376, MONDO:0014579, OMIM 616307.

Allele frequency attached by ClinVar (database versions not stated): gnomAD exomes below 0.00001; TOPMed below 0.00001; gnomAD 0.00001.
gnomAD v4.1: 2 of 1,612,290 alleles (0.00012%); highest among the groups gnomAD compares: Admixed American, 0.0017%; no homozygotes.

Submission:

Labcorp Genetics (formerly Invitae), Labcorp
Classification: Uncertain significance for Senior-Loken syndrome 8; Asphyxiating thoracic dystrophy 5. Last evaluated: 2022-11-15. Review status: criteria provided, single submitter. Criteria: Invitae Variant Classification Sherloc (09022015). Collection method: clinical testing. Allele origin: germline.
Comment: This sequence change replaces leucine, which is neutral and non-polar, with valine, which is neutral and non-polar, at codon 1336 of the WDR19 protein (p.Leu1336Val). This variant is not present in population databases (gnomAD no frequency). This variant has not been reported in the literature in individuals affected with WDR19-related conditions. Advanced modeling of protein sequence and biophysical properties (such as structural, functional, and spatial information, amino acid conservation, physicochemical variation, residue mobility, and thermodynamic stability) has been performed at Invitae for this missense variant, however the output from this modeling did not meet the statistical confidence thresholds required to predict the impact of this variant on WDR19 protein function. In summary, the available evidence is currently insufficient to determine the role of this variant in disease. Therefore, it has been classified as a Variant of Uncertain Significance.

NM_025132.4(WDR19):c.4006C>G (p.Leu1336Val)

Gene: WDR19 (WD repeat domain 19; plus strand). Cytogenetic location: 4p14.
Variant type: single nucleotide variant.
Coding change: c.4006C>G on transcript NM_025132.4 (MANE Select); coding-DNA position 4006, C replaced by G.
Protein change: p.Leu1336Val; replaces leucine 1336 with valine.
Molecular consequence: missense variant.
Genome position (GRCh38, 1-based): chr4:39,278,627, C>G. VCF-style: chr4-39278627-C-G. GRCh37 (hg19) VCF-style: chr4-39280247-C-G.
Other names: c.3526C>G, p.Leu1176Val (NM_001317924.2); short protein forms L1336V, L1176V.
Identifiers: ClinVar variation 1906609 (VCV001906609.5), dbSNP rs1290363348, ClinGen allele CA356654573.